The following is an entry in ClinVar:

NM_000478.6(ALPL):c.1468A>T (p.Ile490Phe)

Gene: ALPL (alkaline phosphatase, biomineralization associated; plus strand). Cytogenetic location: 1p36.12.
Variant type: single nucleotide variant.
Coding change: c.1468A>T on transcript NM_000478.6 (MANE Select); coding-DNA position 1468, A replaced by T.
Protein change: p.Ile490Phe; replaces isoleucine 490 with phenylalanine.
Molecular consequence: missense variant.
Genome position (GRCh38, 1-based): chr1:21,577,541, A>T. VCF-style: chr1-21577541-A-T. GRCh37 (hg19) VCF-style: chr1-21904034-A-T.
Other names: c.1303A>T, p.Ile435Phe (NM_001127501.4); c.1237A>T, p.Ile413Phe (NM_001177520.3); c.1468A>T, p.Ile490Phe (NM_001369803.2, NM_001369804.2, NM_001369805.2); short protein forms I435F, I413F, I490F.
Identifiers: ClinVar variation 2733856 (VCV002733856.5), dbSNP rs1644756699, ClinGen allele CA338882313.

ClinVar aggregate classification (germline): Likely pathogenic. Review status: criteria provided, multiple submitters, no conflicts (2 of 4 stars). 3 submissions from 3 submitters: Likely pathogenic (3). Last evaluated 2025-08-29.

Conditions:
Hypophosphatasia. Also called: Phosphoethanol-aminuria. Identifiers: Orphanet 436, MedGen C0020630, MeSH D007014, MONDO:0018570.

Submissions (3):

Genomenon, Inc
Classification: Likely pathogenic for Hypophosphatasia. Last evaluated: 2025-08-29. Review status: criteria provided, single submitter. Criteria: Genomenon Sequence Variant Interpretation Standards. Collection method: curation. Allele origin: germline. Affected: yes.
Comment: ALPL Ile490Phe (c.1468A>T) is a missense variant that changes the amino acid at residue 490 from Isoleucine to Phenylalanine. This variant has been observed in at least one proband affected with hypophosphatasia (PMID:29236161;19500388;11479741). Functional studies have been reported;however, the significance of the findings remain unclear (PMID:37422472;19500388;17719863;11479741). It is absent or not present at a significant frequency in gnomAD. In silico models agree that this variant is possibly or probably damaging. In conclusion, we classify ALPL p.Ile490Phe (c.1468A>T) as a likely pathogenic variant.

Women's Health and Genetics/Laboratory Corporation of America, LabCorp
Classification: Likely pathogenic for Hypophosphatasia. Last evaluated: 2025-05-14. Review status: criteria provided, single submitter. Criteria: LabCorp Variant Classification Summary - May 2015. Collection method: clinical testing. Allele origin: germline.
Comment: Variant summary: ALPL c.1468A>T (p.Ile490Phe) results in a non-conservative amino acid change in the encoded protein sequence. Algorithms developed to predict the effect of missense changes on protein structure and function all suggest that this variant is likely to be disruptive. The variant was absent in 242010 control chromosomes (gnomAD). c.1468A>T has been observed in individuals affected with Hypophosphatasia (Lia-Baldini_2001, Fauvert_2009, Taillandier_2018, De Angel_2020). These data indicate that the variant is likely to be associated with disease. Multiple publications reported experimental evidence evaluating an impact on protein function and this variant affected the ALPL protein function (Lia-Baldini_2001, Brun-Heath_2007, Fauvert_2009). The following publications have been ascertained in the context of this evaluation (PMID: 17719863, 32160374, 19500388, 11479741, 29236161). ClinVar contains an entry for this variant (Variation ID: 2733856). Based on the evidence outlined above, the variant was classified as likely pathogenic for autosomal dominant Hypophosphatasia and autosomal recessive Hypophosphatasia.

Labcorp Genetics (formerly Invitae), Labcorp
Classification: Likely pathogenic. Last evaluated: 2023-08-11. Review status: criteria provided, single submitter. Criteria: Invitae Variant Classification Sherloc (09022015). Collection method: clinical testing. Allele origin: germline.
Comment: This variant is not present in population databases (gnomAD no frequency). In summary, the currently available evidence indicates that the variant is pathogenic, but additional data are needed to prove that conclusively. Therefore, this variant has been classified as Likely Pathogenic. Experimental studies have shown that this missense change affects ALPL function (PMID: 11479741, 17719863). Advanced modeling of protein sequence and biophysical properties (such as structural, functional, and spatial information, amino acid conservation, physicochemical variation, residue mobility, and thermodynamic stability) performed at Invitae indicates that this missense variant is expected to disrupt ALPL protein function. This variant is also known as I473F. This missense change has been observed in individual(s) with clinical features of hypophosphatasia (PMID: 11479741, 29236161). This sequence change replaces isoleucine, which is neutral and non-polar, with phenylalanine, which is neutral and non-polar, at codon 490 of the ALPL protein (p.Ile490Phe).

Literature cited by the submitters: PubMed 29236161 (cited by 3 submitters); PubMed 19500388 (cited by Genomenon, Inc and Women's Health and Genetics/Laboratory Corporation of America, LabCorp); PubMed 11479741 (cited by 3 submitters); PubMed 37422472 (cited by Genomenon, Inc); PubMed 17719863 (cited by 3 submitters); PubMed 32160374 (cited by Women's Health and Genetics/Laboratory Corporation of America, LabCorp).